The following is an entry in ClinVar:

ClinVar aggregate classification (germline): Uncertain significance (1 of 4 stars; one submission).

Submission:

CeGaT Center for Human Genetics Tuebingen
Classification: Uncertain significance. Last evaluated: 2022-09-01. Review status: criteria provided, single submitter. Criteria: CeGaT Center For Human Genetics Tuebingen Variant Classification Criteria Version 2. Collection method: clinical testing. Allele origin: germline. Affected: yes. Observed: 1 variant allele.
Comment: PGM3: PM2

NM_015599.3(PGM3):c.292_293delinsAG (p.Glu98Arg)

Gene: PGM3 (phosphoglucomutase 3; minus strand). Cytogenetic location: 6q14.1.
Variant type: Indel.
Coding change: c.292_293delinsAG on transcript NM_015599.3 (MANE Select); coding-DNA positions 292 to 293, GA replaced by AG.
Protein change: p.Glu98Arg; replaces glutamic acid 98 with arginine.
Molecular consequence: missense variant. On other transcripts: non-coding transcript variant (1).
Genome position (GRCh38, 1-based): chr6:83,188,710-83,188,711, TC replaced by CT on the plus strand (GA replaced by AG on the coding strand, the reverse complement: PGM3 is on the minus strand). VCF-style: chr6-83188710-TC-CT. GRCh37 (hg19) VCF-style: chr6-83898429-TC-CT.
Other names: c.376_377delinsAG, p.Glu126Arg (NM_001199917.2, NM_001367287.1); c.49_50delinsAG, p.Glu17Arg (NM_001199918.2); c.292_293delinsAG, p.Glu98Arg (NM_001199919.2, NM_001367286.1); short protein forms E126R, E17R, E98R.
Identifiers: ClinVar variation 1711634 (VCV001711634.30), dbSNP rs2538211281, ClinGen allele CA2580075926.